The following is an entry in ClinVar:

NM_001267550.2(TTN):c.2021G>A (p.Arg674Lys)

Gene: TTN (titin; minus strand). Cytogenetic location: 2q31.2.
Variant type: single nucleotide variant.
Coding change: c.2021G>A on transcript NM_001267550.2 (MANE Select); coding-DNA position 2021, G replaced by A.
Protein change: p.Arg674Lys; replaces arginine 674 with lysine.
Molecular consequence: missense variant.
Genome position (GRCh38, 1-based): chr2:178,789,415, C>T on the plus strand (G>A on the coding strand, the complement: TTN is on the minus strand). VCF-style: chr2-178789415-C-T. GRCh37 (hg19) VCF-style: chr2-179654142-C-T.
Other names: c.2021G>A, p.Arg674Lys (NM_001256850.1, NM_133378.4, NM_133379.5); c.1883G>A, p.Arg628Lys (NM_003319.4, NM_133432.3, NM_133437.4); short protein forms R674K, R628K.
Identifiers: ClinVar variation 1781932 (VCV001781932.5), dbSNP rs2093372335, ClinGen allele CA349505072.

ClinVar aggregate classification (germline): Uncertain significance. Review status: criteria provided, multiple submitters, no conflicts (2 of 4 stars). 2 submissions from 2 submitters: Uncertain significance (2). Last evaluated 2022-03-01.

Conditions:
Cardiovascular phenotype. Identifiers: MedGen CN230736.

Allele frequency attached by ClinVar (database versions not stated): gnomAD 0.00001; TOPMed 0.00001.
gnomAD v4.1: 10 of 1,613,342 alleles (0.00062%); highest among the groups gnomAD compares: Non-Finnish European, 0.00076%; no homozygotes.

Submissions (2):

Revvity Omics, Revvity
Classification: Uncertain significance. Last evaluated: 2022-03-01. Review status: criteria provided, single submitter. Criteria: ACMG Guidelines, 2015. Collection method: clinical testing. Allele origin: germline.

Ambry Genetics
Classification: Uncertain significance for Cardiovascular phenotype. Last evaluated: 2019-07-04. Review status: criteria provided, single submitter. Criteria: Ambry Variant Classification Scheme 2023. Collection method: clinical testing. Allele origin: germline.
Comment: The p.R628K variant (also known as c.1883G>A), located in coding exon 11 of the TTN gene, results from a G to A substitution at nucleotide position 1883. The arginine at codon 628 is replaced by lysine, an amino acid with highly similar properties. This amino acid position is well conserved in available vertebrate species; however, lysine is the reference amino acid in other vertebrate species. In addition, this alteration is predicted to be tolerated by in silico analysis. Since supporting evidence is limited at this time, the clinical significance of this alteration remains unclear.